The following is an entry in ClinVar:

ClinVar aggregate classification (germline): Uncertain significance (1 of 4 stars; one submission).

Allele frequency attached by ClinVar (database versions not stated): TOPMed below 0.00001; gnomAD 0.00002; gnomAD exomes 0.00001; ExAC 0.00002.
gnomAD v4.1: 19 of 1,614,066 alleles (0.0012%); highest among the groups gnomAD compares: South Asian, 0.016%; no homozygotes.

Submission:

Labcorp Genetics (formerly Invitae), Labcorp
Classification: Uncertain significance. Last evaluated: 2026-01-03. Review status: criteria provided, single submitter. Criteria: Invitae Variant Classification Sherloc (09022015). Collection method: clinical testing. Allele origin: germline.
Comment: This sequence change replaces threonine, which is neutral and polar, with alanine, which is neutral and non-polar, at codon 1094 of the ERBIN protein (p.Thr1094Ala). This variant is present in population databases (rs771578484, gnomAD 0.01%). This variant has not been reported in the literature in individuals affected with ERBIN-related conditions. ClinVar contains an entry for this variant (Variation ID: 3007455). An algorithm developed to predict the effect of missense changes on protein structure and function outputs the following: PolyPhen-2: "Benign". The alanine amino acid residue is found in multiple mammalian species, which suggests that this missense change does not adversely affect protein function. In summary, the available evidence is currently insufficient to determine the role of this variant in disease. Therefore, it has been classified as a Variant of Uncertain Significance.

NM_001253697.2(ERBIN):c.3280A>G (p.Thr1094Ala)

Gene: ERBIN (erbb2 interacting protein; plus strand). Cytogenetic location: 5q12.3.
Variant type: single nucleotide variant.
Coding change: c.3280A>G on transcript NM_001253697.2 (MANE Select); coding-DNA position 3280, A replaced by G.
Protein change: p.Thr1094Ala; replaces threonine 1094 with alanine.
Molecular consequence: missense variant.
Genome position (GRCh38, 1-based): chr5:66,054,598, A>G. VCF-style: chr5-66054598-A-G. GRCh37 (hg19) VCF-style: chr5-65350426-A-G.
Other names: c.3280A>G, p.Thr1094Ala (NM_001006600.3, NM_001253698.2, NM_001253699.2 and 1 more transcripts); c.3268A>G, p.Thr1090Ala (NM_001253701.2); short protein forms T1094A, T1090A.
Identifiers: ClinVar variation 3007455 (VCV003007455.3), dbSNP rs771578484, ClinGen allele CA3286628.